The following is an entry in ClinVar:

NM_006231.4(POLE):c.525G>C (p.Lys175Asn)

Gene: POLE (DNA polymerase epsilon, catalytic subunit; minus strand). Cytogenetic location: 12q24.33.
Variant type: single nucleotide variant.
Coding change: c.525G>C on transcript NM_006231.4 (MANE Select); coding-DNA position 525, G replaced by C.
Protein change: p.Lys175Asn; replaces lysine 175 with asparagine.
Molecular consequence: missense variant.
Genome position (GRCh38, 1-based): chr12:132,679,550, C>G on the plus strand (G>C on the coding strand, the complement: POLE is on the minus strand). VCF-style: chr12-132679550-C-G. GRCh37 (hg19) VCF-style: chr12-133256136-C-G.
Other names: short protein forms K175N.
Identifiers: ClinVar variation 4704561 (VCV004704561.1).

ClinVar aggregate classification (germline): Uncertain significance (1 of 4 stars; one submission).

Submission:

Labcorp Genetics (formerly Invitae), Labcorp
Classification: Uncertain significance. Last evaluated: 2025-05-07. Review status: criteria provided, single submitter. Criteria: Invitae Variant Classification Sherloc (09022015). Collection method: clinical testing. Allele origin: germline.
Comment: This sequence change replaces lysine, which is basic and polar, with asparagine, which is neutral and polar, at codon 175 of the POLE protein (p.Lys175Asn). This variant is not present in population databases (gnomAD no frequency). This variant has not been reported in the literature in individuals affected with POLE-related conditions. Invitae Evidence Modeling of protein sequence and biophysical properties (such as structural, functional, and spatial information, amino acid conservation, physicochemical variation, residue mobility, and thermodynamic stability) indicates that this missense variant is not expected to disrupt POLE protein function with a negative predictive value of 80%. In summary, the available evidence is currently insufficient to determine the role of this variant in disease. Therefore, it has been classified as a Variant of Uncertain Significance.